The following is an entry in ClinVar:

ClinVar aggregate classification (germline): Conflicting classifications of pathogenicity. Review status: criteria provided, conflicting classifications (1 of 4 stars). 2 submissions from 2 submitters: Uncertain significance (1); Likely benign (1). Last evaluated 2024-08-30.

Conditions:
Familial cancer of breast. Also called: hereditary breast carcinoma; Hereditary breast cancer; BREAST CANCER, FAMILIAL. Identifiers: Orphanet 227535, MedGen C0346153, MONDO:0016419, OMIM 114480. Disease mechanism: loss of function.
Hereditary cancer-predisposing syndrome. Also called: Neoplastic Syndromes, Hereditary; Hereditary Cancer Syndrome; Tumor predisposition; Hereditary neoplastic syndrome. Identifiers: Orphanet 140162, MedGen C0027672, MeSH D009386, MONDO:0015356.

Submissions (2):

Ambry Genetics
Classification: Likely benign for Hereditary cancer-predisposing syndrome. Last evaluated: 2024-08-30. Review status: criteria provided, single submitter. Criteria: Ambry Variant Classification Scheme 2023. Collection method: clinical testing. Allele origin: germline.

Labcorp Genetics (formerly Invitae), Labcorp
Classification: Uncertain significance for Familial cancer of breast. Last evaluated: 2021-09-02. Review status: criteria provided, single submitter. Criteria: Invitae Variant Classification Sherloc (09022015). Collection method: clinical testing. Allele origin: germline.
Comment: This sequence change replaces glycine with arginine at codon 471 of the PALB2 protein (p.Gly471Arg). The glycine residue is highly conserved and there is a moderate physicochemical difference between glycine and arginine. This variant is not present in population databases (ExAC no frequency). This variant has not been reported in the literature in individuals affected with PALB2-related conditions. Algorithms developed to predict the effect of missense changes on protein structure and function output the following: SIFT: "Deleterious"; PolyPhen-2: "Benign"; Align-GVGD: "Class C0". The arginine amino acid residue is found in multiple mammalian species, which suggests that this missense change does not adversely affect protein function. In summary, the available evidence is currently insufficient to determine the role of this variant in disease. Therefore, it has been classified as a Variant of Uncertain Significance.

NM_024675.4(PALB2):c.1411G>A (p.Gly471Arg)

Gene: PALB2 (partner and localizer of BRCA2; minus strand). Cytogenetic location: 16p12.2.
Variant type: single nucleotide variant.
Coding change: c.1411G>A on transcript NM_024675.4 (MANE Select); coding-DNA position 1411, G replaced by A.
Protein change: p.Gly471Arg; replaces glycine 471 with arginine.
Molecular consequence: missense variant.
Genome position (GRCh38, 1-based): chr16:23,635,135, C>T on the plus strand (G>A on the coding strand, the complement: PALB2 is on the minus strand). VCF-style: chr16-23635135-C-T. GRCh37 (hg19) VCF-style: chr16-23646456-C-T.
Other names: short protein forms G471R.
Identifiers: ClinVar variation 969519 (VCV000969519.8), dbSNP rs1966970790, ClinGen allele CA395131327.